The following is an entry in ClinVar:

NM_007294.4(BRCA1):c.2098C>G (p.Leu700Val)

Gene: BRCA1 (BRCA1 DNA repair associated; minus strand). Cytogenetic location: 17q21.31.
Variant type: single nucleotide variant.
Coding change: c.2098C>G on transcript NM_007294.4 (MANE Select); coding-DNA position 2098, C replaced by G.
Protein change: p.Leu700Val; replaces leucine 700 with valine.
Molecular consequence: missense variant. On other transcripts: intron variant (137).
Genome position (GRCh38, 1-based): chr17:43,093,433, G>C on the plus strand (C>G on the coding strand, the complement: BRCA1 is on the minus strand). VCF-style: chr17-43093433-G-C. GRCh37 (hg19) VCF-style: chr17-41245450-G-C.
Other names: c.2098C>G, p.Leu700Val (NM_001407594.1, NM_001407596.1, NM_001407597.1 and 30 more transcripts); c.2095C>G, p.Leu699Val (NM_001407610.1, NM_001407611.1, NM_001407627.1 and 22 more transcripts); c.2089C>G, p.Leu697Val (NM_001407646.1, NM_001407647.1); c.1975C>G, p.Leu659Val (NM_001407648.1, NM_001407664.1, NM_001407665.1 and 19 more transcripts); c.1972C>G, p.Leu658Val (NM_001407649.1, NM_001407670.1, NM_001407671.1 and 11 more transcripts); c.2020C>G, p.Leu674Val (NM_001407663.1, NM_001407653.1, NM_001407654.1 and 4 more transcripts); c.1957C>G, p.Leu653Val (NM_001407727.1, NM_001407728.1, NM_001407729.1 and 29 more transcripts); c.1954C>G, p.Leu652Val (NM_001407746.1, NM_001407747.1, NM_001407748.1 and 20 more transcripts); and 41 more; short protein forms L653V, L700V, L532V, L588V, L632V, L633V, L673V, L699V.
Identifiers: ClinVar variation 1330120 (VCV001330120.11), dbSNP rs775424259, ClinGen allele CA058825.

ClinVar aggregate classification (germline): Conflicting classifications of pathogenicity. Review status: criteria provided, conflicting classifications (1 of 4 stars). 5 submissions from 5 submitters: Uncertain significance (4); Likely benign (1). Last evaluated 2024-10-18.

Conditions:
Breast-ovarian cancer, familial, susceptibility to, 1 (BROVCA1). Also called: OVARIAN CANCER, SUSCEPTIBILITY TO; BRCA1 Hereditary Breast and Ovarian Cancer. Identifiers: Orphanet 145, MedGen C2676676, MONDO:0011450, OMIM 604370. Disease mechanism: loss of function.
Hereditary breast ovarian cancer syndrome. Also called: Hereditary breast and ovarian cancer; Hereditary breast and/or ovarian cancer syndrome; Breast and ovarian cancer; BRCA1- and BRCA2-Associated Hereditary Breast and Ovarian Cancer; Hereditary breast and ovarian cancer syndrome (HBOC); Hereditary breast and ovarian cancer syndrome. Identifiers: Orphanet 145, MedGen C0677776, MeSH D061325, MONDO:0003582. Disease mechanism: loss of function.
Hereditary cancer-predisposing syndrome. Also called: Tumor predisposition; Hereditary Cancer Syndrome; Hereditary neoplastic syndrome; Neoplastic Syndromes, Hereditary. Identifiers: Orphanet 140162, MedGen C0027672, MeSH D009386, MONDO:0015356.

Allele frequency attached by ClinVar (database versions not stated): gnomAD exomes below 0.00001; ExAC 0.00001.
gnomAD v4.1: 1 of 1,614,030 alleles (0.000062%); highest among the groups gnomAD compares: Admixed American, 0.0017%; no homozygotes.

Submissions (5):

Ambry Genetics
Classification: Uncertain significance for Hereditary cancer-predisposing syndrome. Last evaluated: 2024-10-18. Review status: criteria provided, single submitter. Criteria: Ambry Variant Classification Scheme 2023. Collection method: clinical testing. Allele origin: germline.
Comment: The p.L700V variant (also known as c.2098C>G), located in coding exon 9 of the BRCA1 gene, results from a C to G substitution at nucleotide position 2098. The leucine at codon 700 is replaced by valine, an amino acid with highly similar properties. This amino acid position is not well conserved in available vertebrate species. In addition, the in silico prediction for this alteration is inconclusive. Since supporting evidence is limited at this time, the clinical significance of this alteration remains unclear.

Labcorp Genetics (formerly Invitae), Labcorp
Classification: Uncertain significance for Hereditary breast ovarian cancer syndrome. Last evaluated: 2024-09-14. Review status: criteria provided, single submitter. Criteria: Invitae Variant Classification Sherloc (09022015). Collection method: clinical testing. Allele origin: germline.
Comment: This sequence change replaces leucine, which is neutral and non-polar, with valine, which is neutral and non-polar, at codon 700 of the BRCA1 protein (p.Leu700Val). This variant is present in population databases (rs775424259, gnomAD 0.003%). This variant has not been reported in the literature in individuals affected with BRCA1-related conditions. ClinVar contains an entry for this variant (Variation ID: 1330120). Invitae Evidence Modeling of protein sequence and biophysical properties (such as structural, functional, and spatial information, amino acid conservation, physicochemical variation, residue mobility, and thermodynamic stability) indicates that this missense variant is not expected to disrupt BRCA1 protein function with a negative predictive value of 95%. In summary, the available evidence is currently insufficient to determine the role of this variant in disease. Therefore, it has been classified as a Variant of Uncertain Significance.

All of Us Research Program, National Institutes of Health
Classification: Uncertain significance for Breast-ovarian cancer, familial, susceptibility to, 1. Last evaluated: 2023-11-20. Review status: criteria provided, single submitter. Criteria: ACMG Guidelines, 2015. Collection method: clinical testing. Allele origin: germline. Inheritance: Autosomal dominant inheritance. Observed: 1 variant allele, 1 heterozygote.
Comment: This missense variant replaces leucine with valine at codon 700 of the BRCA1 protein. Computational prediction is inconclusive regarding the impact of this variant on protein structure and function. To our knowledge, functional studies have not been reported for this variant. This variant has not been reported in individuals affected with BRCA1-related disorders in the literature. This variant has been identified in 1/251184 chromosomes in the general population by the Genome Aggregation Database (gnomAD). The available evidence is insufficient to determine the role of this variant in disease conclusively. Therefore, this variant is classified as a Variant of Uncertain Significance.

This study involves interpretation of variants in research participants for the purpose of population health screening. Participant phenotype was not available at the time of variant classification. Additional details can be found in publication PMID: 35346344, PMCID: PMC8962531

University of Washington Department of Laboratory Medicine, University of Washington
Classification: Likely benign for Hereditary cancer-predisposing syndrome. Last evaluated: 2023-03-23. Review status: criteria provided, single submitter. Criteria: Dines et al. (Genet Med. 2020). Collection method: curation. Allele origin: germline.
Comment: Missense variant in a coldspot region where missense variants are very unlikely to be pathogenic (PMID:31911673).

BRCA1 coldspot (exon 11 using historical exon numbering). Reclassification based on statistical prior probability

Quest Diagnostics Nichols Institute San Juan Capistrano
Classification: Uncertain significance. Last evaluated: 2021-05-07. Review status: criteria provided, single submitter. Criteria: Quest Diagnostics criteria. Collection method: clinical testing. Allele origin: unknown.